The following is an entry in ClinVar:

NM_000245.4(MET):c.1411G>A (p.Gly471Arg)

Gene: MET (MET proto-oncogene, receptor tyrosine kinase; plus strand). Cytogenetic location: 7q31.2.
Variant type: single nucleotide variant.
Coding change: c.1411G>A on transcript NM_000245.4 (MANE Select); coding-DNA position 1411, G replaced by A.
Protein change: p.Gly471Arg; replaces glycine 471 with arginine.
Molecular consequence: missense variant.
Genome position (GRCh38, 1-based): chr7:116,739,968, G>A. VCF-style: chr7-116739968-G-A. GRCh37 (hg19) VCF-style: chr7-116380022-G-A.
Other names: c.1411G>A (NM_001127500.2, NM_001127500.1); c.1411G>A, p.Gly471Arg (NM_001127500.3, NM_001324401.3); c.121G>A, p.Gly41Arg (NM_001324402.2); short protein forms G41R, G471R.
Identifiers: ClinVar variation 1064358 (VCV001064358.12), dbSNP rs1207715563, ClinGen allele CA368974038.
Genomic context (GRCh38, chr7:116,739,968, plus strand): 5'-AGCTTGTTGGAATAAGGATGTTATAACTTTTTTGCTGTTTAGGTTGTGGTTTCTCGATCA[G>A]GACCATCAACCCCTCATGTGAATTTTCTCCTGGACTCCCATCCAGTGTCTCCAGAAGTGA-3'
Protein context (NP_000236.2, residues 461-481): RFMQVVVSRS[Gly471Arg]PSTPHVNFLL

ClinVar aggregate classification (germline): Conflicting classifications of pathogenicity. Review status: criteria provided, conflicting classifications (1 of 4 stars). 4 submissions from 4 submitters: Uncertain significance (3); Likely benign (1). Last evaluated 2026-07-30.

Conditions:
Hereditary cancer-predisposing syndrome. Also called: Tumor predisposition; Hereditary Cancer Syndrome; Hereditary neoplastic syndrome; Neoplastic Syndromes, Hereditary. Identifiers: Orphanet 140162, MedGen C0027672, MeSH D009386, MONDO:0015356.
Renal cell carcinoma. Identifiers: Orphanet 217071, MedGen C0007134, MeSH D002292, MONDO:0005086, HP:0005584.

Allele frequency attached by ClinVar (database versions not stated): TOPMed 0.00001.

Submissions (4):

Ambry Genetics
Classification: Likely benign for Hereditary cancer-predisposing syndrome. Last evaluated: 2026-07-30. Review status: criteria provided, single submitter. Criteria: Ambry Variant Classification Scheme 2023. Collection method: clinical testing. Allele origin: germline.

Quest Diagnostics Nichols Institute San Juan Capistrano
Classification: Uncertain significance. Last evaluated: 2024-07-02. Review status: criteria provided, single submitter. Criteria: Quest Diagnostics criteria. Collection method: clinical testing. Allele origin: unknown.

Labcorp Genetics (formerly Invitae), Labcorp
Classification: Uncertain significance for Renal cell carcinoma. Last evaluated: 2024-04-29. Review status: criteria provided, single submitter. Criteria: Invitae Variant Classification Sherloc (09022015). Collection method: clinical testing. Allele origin: germline.
Comment: This sequence change replaces glycine, which is neutral and non-polar, with arginine, which is basic and polar, at codon 471 of the MET protein (p.Gly471Arg). This variant is not present in population databases (gnomAD no frequency). This variant has not been reported in the literature in individuals affected with MET-related conditions. ClinVar contains an entry for this variant (Variation ID: 1064358). An algorithm developed to predict the effect of missense changes on protein structure and function (PolyPhen-2) suggests that this variant¬†is likely to be tolerated. In summary, the available evidence is currently insufficient to determine the role of this variant in disease. Therefore, it has been classified as a Variant of Uncertain Significance.

GeneDx
Classification: Uncertain significance. Last evaluated: 2023-03-02. Review status: criteria provided, single submitter. Criteria: GeneDx Variant Classification Process June 2021. Collection method: clinical testing. Allele origin: germline. Affected: yes.
Comment: Not observed at significant frequency in large population cohorts (gnomAD); In silico analysis supports that this missense variant does not alter protein structure/function; Has not been previously published as pathogenic or benign to our knowledge